The following is an entry in ClinVar:

NM_001354930.2(RIPK1):c.321+3dup

Gene: RIPK1 (receptor interacting serine/threonine kinase 1; plus strand). Cytogenetic location: 6p25.2.
Variant type: Duplication.
Coding change: c.321+3dup on transcript NM_001354930.2 (MANE Select); 3 bases into the intron after coding-DNA position 321, one base duplicated (A; older notation c.321+3dupA).
Molecular consequence: intron variant.
Genome position (GRCh38, 1-based): chr6:3,077,938, A duplicated. VCF-style (leftmost placement, unchanged base first): chr6-3077937-T-TA. GRCh37 (hg19) VCF-style: chr6-3078171-T-TA.
Other names: c.-283+3dup (NM_001317061.3, NM_001354932.2, NM_001354934.2 and 1 more transcripts); c.321+3dup (NM_003804.6, NM_001354931.2).
Identifiers: ClinVar variation 1466119 (VCV001466119.6), dbSNP rs1209233144, ClinGen allele CA565356818.

ClinVar aggregate classification (germline): Uncertain significance (1 of 4 stars; one submission).

Allele frequency attached by ClinVar (database versions not stated): gnomAD exomes below 0.00001 and 0.00001; gnomAD 0.00001; TOPMed 0.00001.

Submission:

Labcorp Genetics (formerly Invitae), Labcorp
Classification: Uncertain significance. Last evaluated: 2024-10-28. Review status: criteria provided, single submitter. Criteria: Invitae Variant Classification Sherloc (09022015). Collection method: clinical testing. Allele origin: germline.
Comment: This sequence change falls in intron 3 of the RIPK1 gene. It does not directly change the encoded amino acid sequence of the RIPK1 protein. It affects a nucleotide within the consensus splice site. This variant is present in population databases (no rsID available, gnomAD 0.0009%). This variant has not been reported in the literature in individuals affected with RIPK1-related conditions. ClinVar contains an entry for this variant (Variation ID: 1466119). Variants that disrupt the consensus splice site are a relatively common cause of aberrant splicing (PMID: 17576681, 9536098). Algorithms developed to predict the effect of sequence changes on RNA splicing suggest that this variant is not likely to affect RNA splicing. In summary, the available evidence is currently insufficient to determine the role of this variant in disease. Therefore, it has been classified as a Variant of Uncertain Significance.

Literature cited by the submitters: PubMed 17576681; PubMed 9536098.